The following is an entry in ClinVar:

NM_000535.7(PMS2):c.2477A>T (p.Glu826Val)

Gene: PMS2 (PMS1 homolog 2, mismatch repair system component; minus strand). Cytogenetic location: 7p22.1.
Variant type: single nucleotide variant.
Coding change: c.2477A>T on transcript NM_000535.7 (MANE Select); coding-DNA position 2477, A replaced by T.
Protein change: p.Glu826Val; replaces glutamic acid 826 with valine.
Molecular consequence: missense variant. On other transcripts: non-coding transcript variant (1).
Genome position (GRCh38, 1-based): chr7:5,973,511, T>A on the plus strand (A>T on the coding strand, the complement: PMS2 is on the minus strand). VCF-style: chr7-5973511-T-A. GRCh37 (hg19) VCF-style: chr7-6013142-T-A.
Other names: c.2072A>T, p.Glu691Val (NM_001322003.2, NM_001322004.2, NM_001322005.2 and 11 more transcripts); c.2321A>T, p.Glu774Val (NM_001322006.2); c.2159A>T, p.Glu720Val (NM_001322007.2, NM_001322008.2, NM_001406883.1); c.2105A>T, p.Glu702Val (NM_001322009.2, NM_001406887.1, NM_001406888.1); c.1916A>T, p.Glu639Val (NM_001322010.2, NM_001406906.1, NM_001406907.1); c.1544A>T, p.Glu515Val (NM_001322011.2, NM_001322012.2); c.1904A>T, p.Glu635Val (NM_001322013.2, NM_001406908.1, NM_001406909.1); c.2510A>T, p.Glu837Val (NM_001322014.2); and 20 more; short protein forms E639V, E718V, E760V, E785V, E826V, E425V, E635V, E655V.
Identifiers: ClinVar variation 3890992 (VCV003890992.1).

ClinVar aggregate classification (germline): Uncertain significance (1 of 4 stars; one submission).

Conditions:
Hereditary cancer-predisposing syndrome. Also called: Tumor predisposition; Neoplastic Syndromes, Hereditary; Hereditary Cancer Syndrome; Hereditary neoplastic syndrome. Identifiers: Orphanet 140162, MedGen C0027672, MeSH D009386, MONDO:0015356.

Submission:

Ambry Genetics
Classification: Uncertain significance for Hereditary cancer-predisposing syndrome. Last evaluated: 2025-01-24. Review status: criteria provided, single submitter. Criteria: Ambry Variant Classification Scheme 2023. Collection method: clinical testing. Allele origin: germline.
Comment: The p.E826V variant (also known as c.2477A>T), located in coding exon 15 of the PMS2 gene, results from an A to T substitution at nucleotide position 2477. The glutamic acid at codon 826 is replaced by valine, an amino acid with dissimilar properties. This amino acid position is conserved. In addition, this alteration is predicted to be deleterious by in silico analysis. Based on the available evidence, the clinical significance of this variant remains unclear.